The following is an entry in ClinVar:

ClinVar aggregate classification (germline): Uncertain significance. Review status: criteria provided, multiple submitters, no conflicts (2 of 4 stars). 3 submissions from 3 submitters: Uncertain significance (3). Last evaluated 2024-03-16.

Conditions:
Cardiomyopathy (CMYO). Also called: Cardiomyopathies. Identifiers: Orphanet 167848, MedGen C0878544, MONDO:0004994, HP:0001638. Inheritance: Various modes of inheritance.
Arrhythmogenic right ventricular dysplasia 8 (ARVD8). Also called: Arrhythmogenic Right Ventricular Dysplasia/Cardiomyopathy 8; ARRHYTHMOGENIC RIGHT VENTRICULAR DYSPLASIA, FAMILIAL, 8; ARRHYTHMOGENIC RIGHT VENTRICULAR CARDIOMYOPATHY 8. Identifiers: MedGen C1843896, MONDO:0011831, OMIM 607450.
Arrhythmogenic cardiomyopathy with wooly hair and keratoderma. Also called: Arrhythmogenic cardiomyopathy with woolly hair and keratoderma; PALMOPLANTAR KERATODERMA WITH LEFT VENTRICULAR CARDIOMYOPATHY AND WOOLLY HAIR; Carvajal syndrome; Dilated cardiomyopathy with woolly hair and keratoderma. Identifiers: Orphanet 65282, MedGen C1854063, MONDO:0011581, OMIM 605676.

Submissions (3):

Labcorp Genetics (formerly Invitae), Labcorp
Classification: Uncertain significance for Arrhythmogenic cardiomyopathy with wooly hair and keratoderma; Arrhythmogenic right ventricular dysplasia 8. Last evaluated: 2024-03-16. Review status: criteria provided, single submitter. Criteria: Invitae Variant Classification Sherloc (09022015). Collection method: clinical testing. Allele origin: germline.
Comment: This variant, c.7685_7687del, results in the deletion of 1 amino acid(s) of the DSP protein (p.Ser2562del), but otherwise preserves the integrity of the reading frame. This variant is present in population databases (rs762495630, gnomAD 0.006%). This variant has not been reported in the literature in individuals affected with DSP-related conditions. ClinVar contains an entry for this variant (Variation ID: 837491). Experimental studies and prediction algorithms are not available or were not evaluated, and the functional significance of this variant is currently unknown. In summary, the available evidence is currently insufficient to determine the role of this variant in disease. Therefore, it has been classified as a Variant of Uncertain Significance.

All of Us Research Program, National Institutes of Health
Classification: Uncertain significance for Arrhythmogenic cardiomyopathy with wooly hair and keratoderma. Last evaluated: 2023-12-01. Review status: criteria provided, single submitter. Criteria: ACMG Guidelines, 2015. Collection method: clinical testing. Allele origin: germline. Inheritance: Autosomal dominant inheritance. Observed: 5 variant alleles, 5 heterozygotes.
Comment: This variant causes a deletion of one amino acid at codon 2562 of the DSP protein. To our knowledge, functional studies have not been reported for this variant. This variant has not been reported in individuals affected with cardiovascular disorders in the literature. This variant has been identified in 4/251492 chromosomes in the general population by the Genome Aggregation Database (gnomAD). The available evidence is insufficient to determine the role of this variant in disease conclusively. Therefore, this variant is classified as a Variant of Uncertain Significance.

This study involves interpretation of variants in research participants for the purpose of population health screening. Participant phenotype was not available at the time of variant classification. Additional details can be found in publication PMID: 35346344, PMCID: PMC8962531

Color Diagnostics, LLC DBA Color Health
Classification: Uncertain significance for Cardiomyopathy. Last evaluated: 2023-04-25. Review status: criteria provided, single submitter. Criteria: ACMG Guidelines, 2015. Collection method: clinical testing. Allele origin: germline.
Comment: This variant causes a deletion of one amino acid at codon 2562 of the DSP protein. To our knowledge, functional studies have not been reported for this variant. This variant has not been reported in individuals affected with cardiovascular disorders in the literature. This variant has been identified in 4/251492 chromosomes in the general population by the Genome Aggregation Database (gnomAD). The available evidence is insufficient to determine the role of this variant in disease conclusively. Therefore, this variant is classified as a Variant of Uncertain Significance.

NM_004415.4(DSP):c.7685_7687del (p.Ser2562del)

Gene: DSP (desmoplakin; plus strand). Cytogenetic location: 6p24.3.
Variant type: Deletion.
Coding change: c.7685_7687del on transcript NM_004415.4 (MANE Select); coding-DNA positions 7685 to 7687, 3 bases deleted (CCT; older notation c.7685_7687delCCT).
Protein change: p.Ser2562del; deletes serine 2562.
Molecular consequence: inframe deletion.
Genome position (GRCh38, 1-based): chr6:7,584,947-7,584,949, CCT deleted; deleting any 3 consecutive bases within chr6:7,584,945-7,584,949 gives the same sequence; the c. name uses the placement nearest the transcript's 3' end. VCF-style (leftmost placement, unchanged base first): chr6-7584944-TCTC-T. GRCh37 (hg19) VCF-style: chr6-7585177-TCTC-T.
Other names: c.5888_5890del, p.Ser1963del (NM_001008844.3); c.6356_6358del, p.Ser2119del (NM_001319034.2); short protein forms S1963del, S2562del, S2119del.
Identifiers: ClinVar variation 837491 (VCV000837491.16), dbSNP rs762495630, ClinGen allele CA050453.